The following is an entry in ClinVar:

NM_001353694.2(TIAM1):c.2584C>T (p.Leu862Phe)

Gene: TIAM1 (TIAM Rac1 associated GEF 1; minus strand). Cytogenetic location: 21q22.11.
Variant type: single nucleotide variant.
Coding change: c.2584C>T on transcript NM_001353694.2 (MANE Select); coding-DNA position 2584, C replaced by T.
Protein change: p.Leu862Phe; replaces leucine 862 with phenylalanine.
Molecular consequence: missense variant.
Genome position (GRCh38, 1-based): chr21:31,187,079, G>A on the plus strand (C>T on the coding strand, the complement: TIAM1 is on the minus strand). VCF-style: chr21-31187079-G-A. GRCh37 (hg19) VCF-style: chr21-32559395-G-A.
Other names: c.2584C>T, p.Leu862Phe (NM_001353686.2, NM_001353688.1, NM_001353689.1 and 5 more transcripts); c.2509C>T, p.Leu837Phe (NM_001353687.2); short protein forms L837F, L862F.
Identifiers: ClinVar variation 1526309 (VCV001526309.3), dbSNP rs950317709, ClinGen allele CA319324695.

ClinVar aggregate classification (germline): Uncertain significance. Review status: criteria provided, single submitter (1 of 4 stars). 2 submissions from 2 submitters: Uncertain significance (1). 1 of the submissions does not count toward it. Last evaluated 2022-03-25.

Conditions:
Neurodevelopmental disorder with language delay and seizures (NEDLDS). Identifiers: MedGen C5676998, MONDO:0859256, OMIM 619908.

Allele frequency attached by ClinVar (database versions not stated): gnomAD exomes below 0.00001 and 0.00003; gnomAD 0.00001; TOPMed 0.00003.
gnomAD v4.1: 51 of 1,613,922 alleles (0.0032%); highest among the groups gnomAD compares: Non-Finnish European, 0.0041%; no homozygotes.

Submissions (2):

GeneDx
Classification: Uncertain significance. Last evaluated: 2022-03-25. Review status: criteria provided, single submitter. Criteria: GeneDx Variant Classification Process June 2021. Collection method: clinical testing. Allele origin: germline. Affected: yes.
Comment: Published functional studies suggest a damaging effect, however, additional studies are needed to explore the consequences of this variant (Lu S et al., 2022); In silico analysis supports that this missense variant does not alter protein structure/function; Not observed at significant frequency in large population cohorts (gnomAD); This variant is associated with the following publications: (PMID: 35240055)

OMIM
Classification: Pathogenic for NEURODEVELOPMENTAL DISORDER WITH LANGUAGE DELAY AND SEIZURES. Last evaluated: 2022-06-14. Review status: no assertion criteria provided. Collection method: literature only. Allele origin: germline. Not counted in ClinVar's aggregate classification.

Literature cited by the submitters: PubMed 35240055 (cited by OMIM).